The following is an entry in ClinVar:

NM_014714.4(IFT140):c.4076A>G (p.Gln1359Arg)

Gene: IFT140 (intraflagellar transport 140; minus strand). Cytogenetic location: 16p13.3.
Variant type: single nucleotide variant.
Coding change: c.4076A>G on transcript NM_014714.4 (MANE Select); coding-DNA position 4076, A replaced by G.
Protein change: p.Gln1359Arg; replaces glutamine 1359 with arginine.
Molecular consequence: missense variant.
Genome position (GRCh38, 1-based): chr16:1,518,322, T>C on the plus strand (A>G on the coding strand, the complement: IFT140 is on the minus strand). VCF-style: chr16-1518322-T-C. GRCh37 (hg19) VCF-style: chr16-1568323-T-C.
Other names: c.4076A>G (NM_014714.3); short protein forms Q1359R.
Identifiers: ClinVar variation 1428832 (VCV001428832.7), dbSNP rs907401737, ClinGen allele CA276674254.

ClinVar aggregate classification (germline): Uncertain significance. Review status: criteria provided, multiple submitters, no conflicts (2 of 4 stars). 3 submissions from 3 submitters: Uncertain significance (3). Last evaluated 2024-11-07.

Conditions:
Retinitis pigmentosa 80 (RP80). Identifiers: MedGen C4540439, MONDO:0054708, OMIM 617781.
Saldino-Mainzer syndrome (SRTD9). Also called: Renal dysplasia, retinal pigmentary dystrophy, cerebellar ataxia and skeletal dysplasia; CONORENAL SYNDROME; SHORT-RIB THORACIC DYSPLASIA 9 WITHOUT POLYDACTYLY; short-rib thoracic dysplasia 9 with or without polydactyly. Identifiers: Orphanet 140969, MedGen C1849437, MONDO:0009964, OMIM 266920.
Inborn genetic diseases. Identifiers: MedGen C0950123, MeSH D030342.

Allele frequency attached by ClinVar (database versions not stated): gnomAD exomes below 0.00001; gnomAD 0.00001; TOPMed 0.00001.
gnomAD v4.1: 4 of 1,613,942 alleles (0.00025%); highest among the groups gnomAD compares: African/African-American, 0.0053%; no homozygotes.

Submissions (3):

Ambry Genetics
Classification: Uncertain significance for Inborn genetic diseases. Last evaluated: 2024-11-07. Review status: criteria provided, single submitter. Criteria: Ambry Variant Classification Scheme 2023. Collection method: clinical testing. Allele origin: germline.

Labcorp Genetics (formerly Invitae), Labcorp
Classification: Uncertain significance for Saldino-Mainzer syndrome. Last evaluated: 2022-07-06. Review status: criteria provided, single submitter. Criteria: Invitae Variant Classification Sherloc (09022015). Collection method: clinical testing. Allele origin: germline.
Comment: Algorithms developed to predict the effect of missense changes on protein structure and function (SIFT, PolyPhen-2, Align-GVGD) all suggest that this variant is likely to be tolerated. In summary, the available evidence is currently insufficient to determine the role of this variant in disease. Therefore, it has been classified as a Variant of Uncertain Significance. ClinVar contains an entry for this variant (Variation ID: 1428832). This sequence change replaces glutamine, which is neutral and polar, with arginine, which is basic and polar, at codon 1359 of the IFT140 protein (p.Gln1359Arg). This variant is present in population databases (no rsID available, gnomAD 0.007%). This variant has not been reported in the literature in individuals affected with IFT140-related conditions.

Fulgent Genetics
Classification: Uncertain significance for Saldino-Mainzer syndrome; Retinitis pigmentosa 80. Last evaluated: 2022-02-26. Review status: criteria provided, single submitter. Criteria: ACMG Guidelines, 2015. Collection method: clinical testing. Allele origin: unknown.